The following is an entry in ClinVar:

NM_001370466.1(NOD2):c.2717+148A>G

Gene: NOD2 (nucleotide binding oligomerization domain containing 2; plus strand). Cytogenetic location: 16q12.1.
Variant type: single nucleotide variant.
Coding change: c.2717+148A>G on transcript NM_001370466.1 (MANE Select); 148 bases into the intron after coding-DNA position 2717, A replaced by G.
Molecular consequence: intron variant.
Genome position (GRCh38, 1-based): chr16:50,722,853, A>G. VCF-style: chr16-50722853-A-G. GRCh37 (hg19) VCF-style: chr16-50756764-A-G.
Other names: c.2798+148A>G (LRG_177t1, NM_022162.3); c.2717+148A>G (NM_001293557.2).
Identifiers: ClinVar variation 103126 (VCV000103126.2), dbSNP rs199475922, ClinGen allele CA230157.

ClinVar aggregate classification (germline): not provided (0 of 4 stars; one submission).

Allele frequency attached by ClinVar (database versions not stated): gnomAD exomes 0.00007; 1000 Genomes Project 30x 0.00031; 1000 Genomes Project 0.00040; gnomAD 0.00057 and 0.00058; TOPMed 0.00070.
gnomAD v4.1: 137 of 789,548 alleles (0.017%); highest among the groups gnomAD compares: African/African-American, 0.19%; no homozygotes.

Submission:

Human Evolutionary Genetics, Institut Pasteur
No classification provided. Review status: no classification provided. Collection method: not provided. Allele origin: germline.
ClinVar note: Converted during submission from untested to not provided.